The following is an entry in ClinVar:

ClinVar aggregate classification (germline): Pathogenic (1 of 4 stars; one submission).

Submission:

Labcorp Genetics (formerly Invitae), Labcorp
Classification: Pathogenic. Last evaluated: 2024-12-17. Review status: criteria provided, single submitter. Criteria: Invitae Variant Classification Sherloc (09022015). Collection method: clinical testing. Allele origin: germline.
Comment: This sequence change creates a premature translational stop signal (p.Lys158*) in the PRDM5 gene. It is expected to result in an absent or disrupted protein product. Loss-of-function variants in PRDM5 are known to be pathogenic (PMID: 21664999, 26395458). This variant is not present in population databases (gnomAD no frequency). This variant has not been reported in the literature in individuals affected with PRDM5-related conditions. ClinVar contains an entry for this variant (Variation ID: 1452157). For these reasons, this variant has been classified as Pathogenic.

Literature cited by the submitters: PubMed 21664999; PubMed 26395458.

NM_018699.4(PRDM5):c.472A>T (p.Lys158Ter)

Gene: PRDM5 (PR/SET domain 5; minus strand). Cytogenetic location: 4q27.
Variant type: single nucleotide variant.
Coding change: c.472A>T on transcript NM_018699.4 (MANE Select); coding-DNA position 472, A replaced by T.
Protein change: p.Lys158Ter; replaces lysine 158 with a stop codon.
Molecular consequence: nonsense.
Genome position (GRCh38, 1-based): chr4:120,821,174, T>A on the plus strand (A>T on the coding strand, the complement: PRDM5 is on the minus strand). VCF-style: chr4-120821174-T-A. GRCh37 (hg19) VCF-style: chr4-121742329-T-A.
Other names: c.472A>T, p.Lys158Ter (NM_001300823.2, NM_001300824.2, NM_001379104.1 and 1 more transcripts); short protein forms K158*.
Identifiers: ClinVar variation 1452157 (VCV001452157.6), dbSNP rs2149347262, ClinGen allele CA358208517.